The following is an entry in ClinVar:

ClinVar aggregate classification (germline): Uncertain significance (1 of 4 stars; one submission).

Submission:

Labcorp Genetics (formerly Invitae), Labcorp
Classification: Uncertain significance. Last evaluated: 2022-12-31. Review status: criteria provided, single submitter. Criteria: Invitae Variant Classification Sherloc (09022015). Collection method: clinical testing. Allele origin: germline.
Comment: In summary, the available evidence is currently insufficient to determine the role of this variant in disease. Therefore, it has been classified as a Variant of Uncertain Significance. This variant has not been reported in the literature in individuals affected with LEMD3-related conditions. This variant is not present in population databases (gnomAD no frequency). This variant, c.243_248dup, results in the insertion of 2 amino acid(s) of the LEMD3 protein (p.Ala86_Ala87dup), but otherwise preserves the integrity of the reading frame.

NM_014319.5(LEMD3):c.243_248dup (p.Ala87_Gly88insAlaAla)

Gene: LEMD3 (LEM domain containing 3; plus strand). Cytogenetic location: 12q14.3.
Variant type: Duplication.
Coding change: c.243_248dup on transcript NM_014319.5 (MANE Select); coding-DNA positions 243 to 248, 6 bases duplicated (AGCGGC; older notation c.243_248dupAGCGGC).
Protein change: p.Ala87_Gly88insAlaAla.
Molecular consequence: inframe insertion.
Genome position (GRCh38, 1-based): chr12:65,169,839-65,169,844, AGCGGC duplicated; duplicating any 6 consecutive bases within chr12:65,169,838-65,169,844 gives the same sequence; the c. name uses the placement nearest the transcript's 3' end. VCF-style (leftmost placement, unchanged base first): chr12-65169837-C-CCAGCGG. GRCh37 (hg19) VCF-style: chr12-65563617-C-CCAGCGG.
Other names: c.243_248dup, p.Ala87_Gly88insAlaAla (NM_001167614.2).
Identifiers: ClinVar variation 2963939 (VCV002963939.3), dbSNP rs2498937917, ClinGen allele CA2575215267.